The following is an entry in ClinVar:

ClinVar aggregate classification (germline): Benign (1 of 4 stars; one submission).

Conditions:
Leigh syndrome (NULS). Also called: Leigh's necrotizing encephalopathy; Leigh's disease; Leigh Syndrome (mtDNA deletion); Leigh Disease; Subacute necrotizing encephalopathy; Necrotizing encephalopathy infantile subacute of Leigh. Identifiers: Orphanet 506, MedGen C2931891, MONDO:0009723, OMIM 256000.

Submission:

Wong Mito Lab, Molecular and Human Genetics, Baylor College of Medicine
Classification: Benign for Leigh syndrome. Last evaluated: 2019-10-17. Review status: criteria provided, single submitter. Criteria: Modified ACMG Guidelines (Unpublished). Collection method: clinical testing. Allele origin: germline.
Comment: The NC_012920.1:m.4824A>G (YP_003024027.1:p.Thr119Ala) variant in MTND2 gene is interpretated to be a Benign variant based on the modified ACMG guidelines (unpublished). This variant meets the following evidence codes: BA1

NC_012920.1(MT-ND2):m.4824A>G

Gene: MT-ND2 (mitochondrially encoded NADH dehydrogenase 2; plus strand).
Variant type: single nucleotide variant.
Genome position: chrM-4824-A-G.
Identifiers: ClinVar variation 692510 (VCV000692510.1), dbSNP rs1556422903, ClinGen allele CA414775960.